The following is an entry in ClinVar:

ClinVar aggregate classification (germline): Uncertain significance (1 of 4 stars; one submission).

Conditions:
Hereditary cancer-predisposing syndrome. Also called: Neoplastic Syndromes, Hereditary; Tumor predisposition; Hereditary Cancer Syndrome; Hereditary neoplastic syndrome. Identifiers: Orphanet 140162, MedGen C0027672, MeSH D009386, MONDO:0015356.

Submission:

Ambry Genetics
Classification: Uncertain significance for Hereditary cancer-predisposing syndrome. Last evaluated: 2021-08-30. Review status: criteria provided, single submitter. Criteria: Ambry Variant Classification Scheme 2023. Collection method: clinical testing. Allele origin: germline.
Comment: The p.D138V variant (also known as c.413A>T), located in coding exon 4 of the SDHB gene, results from an A to T substitution at nucleotide position 413. The aspartic acid at codon 138 is replaced by valine, an amino acid with highly dissimilar properties. This alteration has been observed in at least one individual with a personal and/or family history that is consistent with PGL/PCC-related disease (Ambry internal data).This amino acid position is highly conserved in available vertebrate species. In addition, this alteration is predicted to be deleterious by in silico analysis. Since supporting evidence is limited at this time, the clinical significance of this alteration remains unclear.

NM_003000.3(SDHB):c.413A>T (p.Asp138Val)

Gene: SDHB (succinate dehydrogenase complex iron sulfur subunit B; minus strand). Cytogenetic location: 1p36.13.
Variant type: single nucleotide variant.
Coding change: c.413A>T on transcript NM_003000.3 (MANE Select); coding-DNA position 413, A replaced by T.
Protein change: p.Asp138Val; replaces aspartic acid 138 with valine.
Molecular consequence: missense variant.
Genome position (GRCh38, 1-based): chr1:17,028,610, T>A on the plus strand (A>T on the coding strand, the complement: SDHB is on the minus strand). VCF-style: chr1-17028610-T-A. GRCh37 (hg19) VCF-style: chr1-17355105-T-A.
Other names: short protein forms D138V.
Identifiers: ClinVar variation 1738135 (VCV001738135.2), dbSNP rs1570948527, ClinGen allele CA338273939.